The following is an entry in ClinVar:

NM_001244038.2(ZNF726):c.433T>C (p.Ser145Pro)

Gene: ZNF726 (zinc finger protein 726; plus strand). Cytogenetic location: 19p12.
Variant type: single nucleotide variant.
Coding change: c.433T>C on transcript NM_001244038.2 (MANE Select); coding-DNA position 433, T replaced by C.
Protein change: p.Ser145Pro; replaces serine 145 with proline.
Molecular consequence: missense variant. On other transcripts: intron variant (1).
Genome position (GRCh38, 1-based): chr19:23,932,549, T>C. VCF-style: chr19-23932549-T-C. GRCh37 (hg19) VCF-style: chr19-24115351-T-C.
Other names: c.227-10945T>C (NM_001348687.2); short protein forms S145P.
Identifiers: ClinVar variation 3904880 (VCV003904880.10).

ClinVar aggregate classification (germline): Likely benign (1 of 4 stars; one submission).

gnomAD v4.1: 5,266 of 1,589,680 alleles (0.33%); highest among the groups gnomAD compares: Non-Finnish European, 0.38%; 13 homozygotes.

Submission:

CeGaT Center for Human Genetics Tuebingen
Classification: Likely benign. Last evaluated: 2025-06-01. Review status: criteria provided, single submitter. Criteria: CeGaT Center For Human Genetics Tuebingen Variant Classification Criteria Version 2. Collection method: clinical testing. Allele origin: germline. Affected: yes. Observed: 1 variant allele.
Comment: ZNF726: BP4, BS2